The following is an entry in ClinVar:

ClinVar aggregate classification (germline): Uncertain significance (1 of 4 stars; one submission).

gnomAD v4.1: 27 of 1,614,148 alleles (0.0017%); highest among the groups gnomAD compares: African/African-American, 0.024%; no homozygotes.

Submission:

Women's Health and Genetics/Laboratory Corporation of America, LabCorp
Classification: Uncertain significance. Last evaluated: 2026-06-03. Review status: criteria provided, single submitter. Criteria: LabCorp Variant Classification Summary - May 2015. Collection method: clinical testing. Allele origin: germline.
Comment: Variant summary: EVC2 c.1498C>T (p.Arg500Trp) results in a non-conservative amino acid change in the encoded protein sequence. Algorithms developed to predict the effect of missense changes on protein structure and function all suggest that this variant is likely to be disruptive. The variant allele was found at a frequency of 3.2e-05 in 251406 control chromosomes. The available data on variant occurrences in the general population are insufficient to allow any conclusion about variant significance. To our knowledge, no occurrence of c.1498C>T in individuals affected with EVC2-related conditions and no experimental evidence demonstrating its impact on protein function have been reported. No submitters have cited clinical-significance assessments for this variant to ClinVar. Based on the evidence outlined above, the variant was classified as uncertain significance.

NM_147127.5(EVC2):c.1498C>T (p.Arg500Trp)

Gene: EVC2 (EvC ciliary complex subunit 2; minus strand). Cytogenetic location: 4p16.2.
Variant type: single nucleotide variant.
Coding change: c.1498C>T on transcript NM_147127.5 (MANE Select); coding-DNA position 1498, C replaced by T.
Protein change: p.Arg500Trp; replaces arginine 500 with tryptophan.
Molecular consequence: missense variant.
Genome position (GRCh38, 1-based): chr4:5,632,005, G>A on the plus strand (C>T on the coding strand, the complement: EVC2 is on the minus strand). VCF-style: chr4-5632005-G-A. GRCh37 (hg19) VCF-style: chr4-5633732-G-A.
Other names: c.1258C>T, p.Arg420Trp (NM_001166136.2); short protein forms R420W, R500W.
Identifiers: ClinVar variation 4887554 (VCV004887554.1).